The following is an entry in ClinVar:

ClinVar aggregate classification (germline): Uncertain significance (1 of 4 stars; one submission).

Conditions:
Pitt-Hopkins-like syndrome 2 (PTHSL2). Identifiers: Orphanet 221150, Orphanet 600663, MedGen C3280479, MONDO:0013690, OMIM 614325.

Allele frequency attached by ClinVar (database versions not stated): gnomAD exomes below 0.00001; ESP Exome Variant Server 0.00008.
gnomAD v4.1: 2 of 1,614,086 alleles (0.00012%); highest among the groups gnomAD compares: Non-Finnish European, 0.00017%; no homozygotes.

Submission:

Labcorp Genetics (formerly Invitae), Labcorp
Classification: Uncertain significance for Pitt-Hopkins-like syndrome 2. Last evaluated: 2024-02-05. Review status: criteria provided, single submitter. Criteria: Invitae Variant Classification Sherloc (09022015). Collection method: clinical testing. Allele origin: germline.
Comment: This sequence change replaces asparagine, which is neutral and polar, with serine, which is neutral and polar, at codon 1343 of the NRXN1 protein (p.Asn1343Ser). This variant is not present in population databases (gnomAD no frequency). This variant has not been reported in the literature in individuals affected with NRXN1-related conditions. ClinVar contains an entry for this variant (Variation ID: 1373397). Advanced modeling of protein sequence and biophysical properties (such as structural, functional, and spatial information, amino acid conservation, physicochemical variation, residue mobility, and thermodynamic stability) performed at Invitae indicates that this missense variant is expected to disrupt NRXN1 protein function with a positive predictive value of 80%. In summary, the available evidence is currently insufficient to determine the role of this variant in disease. Therefore, it has been classified as a Variant of Uncertain Significance.

NM_001330078.2(NRXN1):c.3908A>G (p.Asn1303Ser)

Gene: NRXN1 (neurexin 1; minus strand). Cytogenetic location: 2p16.3.
Variant type: single nucleotide variant.
Coding change: c.3908A>G on transcript NM_001330078.2 (MANE Select); coding-DNA position 3908, A replaced by G.
Protein change: p.Asn1303Ser; replaces asparagine 1303 with serine.
Molecular consequence: missense variant.
Genome position (GRCh38, 1-based): chr2:50,053,491, T>C on the plus strand (A>G on the coding strand, the complement: NRXN1 is on the minus strand). VCF-style: chr2-50053491-T-C. GRCh37 (hg19) VCF-style: chr2-50280629-T-C.
Other names: c.4028A>G, p.Asn1343Ser (NM_001135659.3); c.3884A>G, p.Asn1295Ser (NM_001330077.2, NM_001330082.2); c.3752A>G, p.Asn1251Ser (NM_001330083.2); c.3842A>G, p.Asn1281Ser (NM_001330084.2); c.3881A>G, p.Asn1294Ser (NM_001330085.2); c.3908A>G, p.Asn1303Ser (NM_001330086.2); c.3707A>G, p.Asn1236Ser (NM_001330087.2, NM_001330096.2); c.3737A>G, p.Asn1246Ser (NM_001330088.2); and 6 more; short protein forms N1281S, N1299S, N238S, N1256S, N1273S, N1295S, N1303S, N1236S.
Identifiers: ClinVar variation 1373397 (VCV001373397.6), dbSNP rs370320873, ClinGen allele CA47835516.